The following is an entry in ClinVar:

ClinVar aggregate classification (germline): Uncertain significance (1 of 4 stars; one submission).

Conditions:
Intellectual developmental disorder, X-linked, syndromic 14. Also called: Syndromic X-linked intellectual disability 14. Identifiers: Orphanet 776, MedGen C1970822, MONDO:0010398, OMIM 300676.

Allele frequency attached by ClinVar (database versions not stated): TOPMed below 0.00001; gnomAD exomes 0.00001.
gnomAD v4.1: 15 of 1,195,080 alleles (0.0013%); highest among the groups gnomAD compares: Admixed American, 0.0022%; no homozygotes.

Submission:

Labcorp Genetics (formerly Invitae), Labcorp
Classification: Uncertain significance for Intellectual developmental disorder, X-linked, syndromic 14. Last evaluated: 2023-10-25. Review status: criteria provided, single submitter. Criteria: Invitae Variant Classification Sherloc (09022015). Collection method: clinical testing. Allele origin: germline.
Comment: This sequence change replaces asparagine, which is neutral and polar, with serine, which is neutral and polar, at codon 122 of the UPF3B protein (p.Asn122Ser). This variant is not present in population databases (gnomAD no frequency). This variant has not been reported in the literature in individuals affected with UPF3B-related conditions. Advanced modeling of protein sequence and biophysical properties (such as structural, functional, and spatial information, amino acid conservation, physicochemical variation, residue mobility, and thermodynamic stability) performed at Invitae indicates that this missense variant is not expected to disrupt UPF3B protein function with a negative predictive value of 80%. In summary, the available evidence is currently insufficient to determine the role of this variant in disease. Therefore, it has been classified as a Variant of Uncertain Significance.

NM_080632.3(UPF3B):c.365A>G (p.Asn122Ser)

Gene: UPF3B (UPF3B regulator of nonsense mediated mRNA decay; minus strand). Cytogenetic location: Xq24.
Variant type: single nucleotide variant.
Coding change: c.365A>G on transcript NM_080632.3 (MANE Select); coding-DNA position 365, A replaced by G.
Protein change: p.Asn122Ser; replaces asparagine 122 with serine.
Molecular consequence: missense variant.
Genome position (GRCh38, 1-based): chrX:119,851,500, T>C on the plus strand (A>G on the coding strand, the complement: UPF3B is on the minus strand). VCF-style: chrX-119851500-T-C. GRCh37 (hg19) VCF-style: chrX-118985463-T-C.
Other names: c.365A>G, p.Asn122Ser (NM_023010.4); short protein forms N122S.
Identifiers: ClinVar variation 2742482 (VCV002742482.3), dbSNP rs2056301594, ClinGen allele CA414185212.